The following is an entry in ClinVar:

NM_005632.3(CAPN15):c.2298C>T (p.His766=)

Gene: CAPN15 (calpain 15; plus strand). Cytogenetic location: 16p13.3.
Variant type: single nucleotide variant.
Coding change: c.2298C>T on transcript NM_005632.3 (MANE Select); coding-DNA position 2298, C replaced by T.
Protein change: p.His766=; no amino-acid change (histidine 766 retained).
Molecular consequence: synonymous variant.
Genome position (GRCh38, 1-based): chr16:551,617, C>T. VCF-style: chr16-551617-C-T. GRCh37 (hg19) VCF-style: chr16-601617-C-T.
Identifiers: ClinVar variation 3048839 (VCV003048839.3), dbSNP rs148632990, ClinGen allele CA7778661.

ClinVar aggregate classification (germline): Likely benign. Review status: criteria provided, single submitter (1 of 4 stars). 2 submissions from 2 submitters: Likely benign (1). 1 of the submissions does not count toward it. Last evaluated 2024-11-27.

Conditions:
CAPN15-related disorder. Also called: CAPN15-related condition.

Allele frequency attached by ClinVar (database versions not stated): 1000 Genomes Project 30x 0.00016; 1000 Genomes Project 0.00020; ExAC 0.00024; gnomAD 0.00033; ESP Exome Variant Server 0.00038; TOPMed 0.00041.
gnomAD v4.1: 558 of 1,606,448 alleles (0.035%); highest among the groups gnomAD compares: East Asian, 0.045%; 3 homozygotes.

Submissions (2):

Blueprint Genetics
Classification: Likely benign. Last evaluated: 2024-11-27. Review status: criteria provided, single submitter. Criteria: ACMG Guidelines, 2015. Collection method: clinical testing. Allele origin: germline.

PreventionGenetics, part of Exact Sciences
Classification: Likely benign for CAPN15-related condition. Last evaluated: 2019-11-27. Review status: no assertion criteria provided. Collection method: clinical testing. Allele origin: germline. Not counted in ClinVar's aggregate classification.
Comment: This variant is classified as likely benign based on ACMG/AMP sequence variant interpretation guidelines (Richards et al. 2015 PMID: 25741868, with internal and published modifications).